The following is an entry in ClinVar:

NM_001286577.2(C2CD3):c.395A>G (p.Asn132Ser)

Gene: C2CD3 (C2 domain containing 3 centriole elongation regulator; minus strand). Cytogenetic location: 11q13.4.
Variant type: single nucleotide variant.
Coding change: c.395A>G on transcript NM_001286577.2 (MANE Select); coding-DNA position 395, A replaced by G.
Protein change: p.Asn132Ser; replaces asparagine 132 with serine.
Molecular consequence: missense variant.
Genome position (GRCh38, 1-based): chr11:74,161,487, T>C on the plus strand (A>G on the coding strand, the complement: C2CD3 is on the minus strand). VCF-style: chr11-74161487-T-C. GRCh37 (hg19) VCF-style: chr11-73872532-T-C.
Other names: c.395A>G, p.Asn132Ser (NM_015531.6); short protein forms N132S.
Identifiers: ClinVar variation 1478831 (VCV001478831.6), dbSNP rs776545230, ClinGen allele CA6183238.

ClinVar aggregate classification (germline): Uncertain significance (1 of 4 stars; one submission).

Allele frequency attached by ClinVar (database versions not stated): ExAC 0.00001; gnomAD 0.00001; gnomAD exomes 0.00001.
gnomAD v4.1: 6 of 1,602,476 alleles (0.00037%); highest among the groups gnomAD compares: Middle Eastern, 0.017%; no homozygotes.

Submission:

Labcorp Genetics (formerly Invitae), Labcorp
Classification: Uncertain significance. Last evaluated: 2021-08-16. Review status: criteria provided, single submitter. Criteria: Invitae Variant Classification Sherloc (09022015). Collection method: clinical testing. Allele origin: germline.
Comment: This sequence change replaces asparagine with serine at codon 132 of the C2CD3 protein (p.Asn132Ser). The asparagine residue is weakly conserved and there is a small physicochemical difference between asparagine and serine. This variant is present in population databases (rs776545230, ExAC 0.002%). This variant has not been reported in the literature in individuals affected with C2CD3-related conditions. Algorithms developed to predict the effect of missense changes on protein structure and function output the following: SIFT: "Tolerated"; PolyPhen-2: "Benign"; Align-GVGD: "Class C0". The serine amino acid residue is found in multiple mammalian species, which suggests that this missense change does not adversely affect protein function. In summary, the available evidence is currently insufficient to determine the role of this variant in disease. Therefore, it has been classified as a Variant of Uncertain Significance.